The following is an entry in ClinVar:

ClinVar aggregate classification (germline): Uncertain significance. Review status: criteria provided, multiple submitters, no conflicts (2 of 4 stars). 4 submissions from 4 submitters: Uncertain significance (4). Last evaluated 2025-09-23.

Conditions:
Hypogonadotropic hypogonadism 2 with or without anosmia (HH2). Also called: FGFR1-Related GnRH Deficiency (Kallmann Syndrome 2); HYPOGONADOTROPIC HYPOGONADISM 2 WITH OR WITHOUT ANOSMIA, SUSCEPTIBILITY TO; HYPOGONADOTROPIC HYPOGONADISM 2 WITHOUT ANOSMIA, SUSCEPTIBILITY TO; HYPOGONADOTROPIC HYPOGONADISM 2 WITHOUT ANOSMIA. Identifiers: Orphanet 478, MedGen C1563720, MONDO:0007844, OMIM 147950. Disease mechanism: loss of function.
Pfeiffer syndrome (ACS5). Also called: ACS V. Identifiers: Orphanet 710, MedGen C0220658, MONDO:0007043, OMIM 101600.
Trigonocephaly 1 (TRIGNO1). Identifiers: Orphanet 3366, MedGen C0432122, MONDO:0008603, OMIM 190440.
Hartsfield-Bixler-Demyer syndrome (HRTFDS). Also called: FGFR1-Related Hartsfield Syndrome; Hartsfield syndrome; Holoprosencephaly, ectrodactyly, and bilateral cleft lip/palate. Identifiers: Orphanet 2117, MedGen C1845146, MONDO:0014196, OMIM 615465. Disease mechanism: loss of function.
Jackson-Weiss syndrome (JWS). Also called: CRANIOSYNOSTOSIS, MIDFACIAL HYPOPLASIA, AND FOOT ABNORMALITIES. Identifiers: Orphanet 1540, MedGen C0795998, MONDO:0007400, OMIM 123150. Disease mechanism: loss of function.
Osteoglophonic dysplasia (OGD). Also called: Osteoglophonic dwarfism. Identifiers: Orphanet 2645, MedGen C0432283, MONDO:0008150, OMIM 166250.
Encephalocraniocutaneous lipomatosis (ECCL). Identifiers: Orphanet 2396, MedGen C0406612, MONDO:0013074, OMIM 613001.

Allele frequency attached by ClinVar (database versions not stated): ExAC 0.00001; gnomAD 0.00001; gnomAD exomes 0.00001 and 0.00002; TOPMed 0.00001.
gnomAD v4.1: 8 of 1,614,004 alleles (0.0005%); highest among the groups gnomAD compares: Admixed American, 0.01%; no homozygotes.

Submissions (4):

GeneDx
Classification: Uncertain significance. Last evaluated: 2025-09-23. Review status: criteria provided, single submitter. Criteria: GeneDx Variant Classification Process June 2021. Collection method: clinical testing. Allele origin: germline. Affected: yes.
Comment: In silico analysis supports that this missense variant has a deleterious effect on protein structure/function; Has not been previously published as pathogenic or benign to our knowledge

Labcorp Genetics (formerly Invitae), Labcorp
Classification: Uncertain significance for Pfeiffer syndrome; Hypogonadotropic hypogonadism 2 with or without anosmia. Last evaluated: 2024-07-19. Review status: criteria provided, single submitter. Criteria: Invitae Variant Classification Sherloc (09022015). Collection method: clinical testing. Allele origin: germline.
Comment: This sequence change replaces serine, which is neutral and polar, with asparagine, which is neutral and polar, at codon 3 of the FGFR1 protein (p.Ser3Asn). This variant is present in population databases (rs751651299, gnomAD 0.009%). This variant has not been reported in the literature in individuals affected with FGFR1-related conditions. ClinVar contains an entry for this variant (Variation ID: 1684098). Advanced modeling of protein sequence and biophysical properties (such as structural, functional, and spatial information, amino acid conservation, physicochemical variation, residue mobility, and thermodynamic stability) has been performed at Invitae for this missense variant, however the output from this modeling did not meet the statistical confidence thresholds required to predict the impact of this variant on FGFR1 protein function. In summary, the available evidence is currently insufficient to determine the role of this variant in disease. Therefore, it has been classified as a Variant of Uncertain Significance.

Department of Pathology and Laboratory Medicine, Sinai Health System
Classification: Uncertain significance for Pfeiffer syndrome; Jackson-Weiss syndrome; Hypogonadotropic hypogonadism 2 with or without anosmia; Osteoglophonic dysplasia; Trigonocephaly 1; Encephalocraniocutaneous lipomatosis; Hartsfield-Bixler-Demyer syndrome. Last evaluated: 2022-07-27. Review status: criteria provided, single submitter. Criteria: ACMG Guidelines, 2015. Collection method: research. Allele origin: germline.

Fulgent Genetics
Classification: Uncertain significance for Pfeiffer syndrome; Jackson-Weiss syndrome; Hypogonadotropic hypogonadism 2 with or without anosmia; Osteoglophonic dysplasia; Trigonocephaly 1; Encephalocraniocutaneous lipomatosis; Hartsfield-Bixler-Demyer syndrome. Last evaluated: 2021-11-01. Review status: criteria provided, single submitter. Criteria: ACMG Guidelines, 2015. Collection method: clinical testing. Allele origin: unknown.

NM_023110.3(FGFR1):c.8G>A (p.Ser3Asn)

Gene: FGFR1 (fibroblast growth factor receptor 1; minus strand). Cytogenetic location: 8p11.23.
Variant type: single nucleotide variant.
Coding change: c.8G>A on transcript NM_023110.3 (MANE Select); coding-DNA position 8, G replaced by A.
Protein change: p.Ser3Asn; replaces serine 3 with asparagine.
Molecular consequence: missense variant. On other transcripts: 5 prime UTR variant (1).
Genome position (GRCh38, 1-based): chr8:38,457,439, C>T on the plus strand (G>A on the coding strand, the complement: FGFR1 is on the minus strand). VCF-style: chr8-38457439-C-T. GRCh37 (hg19) VCF-style: chr8-38314957-C-T.
Other names: c.8G>A, p.Ser3Asn (NM_001174063.2, NM_001174065.2, NM_001174066.2 and 7 more transcripts); c.-85G>A (NM_001174064.2); c.107G>A, p.Ser36Asn (NM_001174067.2); short protein forms S36N, S3N.
Identifiers: ClinVar variation 1684098 (VCV001684098.11), dbSNP rs751651299, ClinGen allele CA4718958.
Genomic context (GRCh38, chr8:38,457,439, plus strand): 5'-GGCCTAGCGGTGCAGAGTGTGGCTGTGACCAGCACAGCCCAGAAGAGGAGGCACTTCCAG[C>T]TCCACATCCCAGTTCTGCAGTTAGAGGTTGGTGACAAGGCTCCACATCTCCATGGATACT-3'
Protein context (NP_075598.2, residues 1-13): MW[Ser3Asn]WKCLLFWAVL